The following is an entry in ClinVar:

ClinVar aggregate classification (germline): Likely benign (0 of 4 stars; one submission).

Conditions:
PAX9-related disorder. Also called: PAX9-related condition.

Allele frequency attached by ClinVar (database versions not stated): gnomAD exomes below 0.00001; gnomAD 0.00001; TOPMed 0.00002; ExAC 0.00005; ESP Exome Variant Server 0.00008.
gnomAD v4.1: 6 of 1,538,466 alleles (0.00039%); highest among the groups gnomAD compares: African/African-American, 0.0014%; no homozygotes.

Submission:

PreventionGenetics, part of Exact Sciences
Classification: Likely benign for PAX9-related condition. Last evaluated: 2022-10-04. Review status: no assertion criteria provided. Collection method: clinical testing. Allele origin: germline.
Comment: This variant is classified as likely benign based on ACMG/AMP sequence variant interpretation guidelines (Richards et al. 2015 PMID: 25741868, with internal and published modifications).

NM_001372076.1(PAX9):c.4+10G>A

Gene: PAX9 (paired box 9; plus strand). Cytogenetic location: 14q13.3.
Variant type: single nucleotide variant.
Coding change: c.4+10G>A on transcript NM_001372076.1 (MANE Select); 10 bases into the intron after coding-DNA position 4, G replaced by A.
Molecular consequence: intron variant.
Genome position (GRCh38, 1-based): chr14:36,662,103, G>A. VCF-style: chr14-36662103-G-A. GRCh37 (hg19) VCF-style: chr14-37131308-G-A.
Other names: c.4+10G>A (NM_006194.4).
Identifiers: ClinVar variation 3030665 (VCV003030665.2), dbSNP rs372515996, ClinGen allele CA7158870.
Genomic context (GRCh38, chr14:36,662,103, plus strand): 5'-GTCTGGGAGTGCGGAACTGGGGCCGGGTTGGTGTACTGCTCGGAGCAATGGGTGAGTGGC[G>A]GCGGGGGACTCTGTCAGAGCCGGGAAGGGAGGGAGGGAGCGAGCGGGCAAGGGAGGGAGG-3'